The following is an entry in ClinVar:

NM_000053.4(ATP7B):c.4088C>T (p.Ser1363Phe)

Gene: ATP7B (ATPase copper transporting beta; minus strand). Cytogenetic location: 13q14.3.
Variant type: single nucleotide variant.
Coding change: c.4088C>T on transcript NM_000053.4 (MANE Select); coding-DNA position 4088, C replaced by T.
Protein change: p.Ser1363Phe; replaces serine 1363 with phenylalanine.
Molecular consequence: missense variant.
Genome position (GRCh38, 1-based): chr13:51,935,629, G>A on the plus strand (C>T on the coding strand, the complement: ATP7B is on the minus strand). VCF-style: chr13-51935629-G-A. GRCh37 (hg19) VCF-style: chr13-52509765-G-A.
Other names: c.3467C>T, p.Ser1156Phe (NM_001005918.3); c.3755C>T, p.Ser1252Phe (NM_001243182.2); c.3854C>T, p.Ser1285Phe (NM_001330578.2); c.3836C>T, p.Ser1279Phe (NM_001330579.2); short protein forms S1363F, S1156F, S1252F, S1279F, S1285F.
Identifiers: ClinVar variation 188908 (VCV000188908.21), dbSNP rs776848753, ClinGen allele CA274112.

ClinVar aggregate classification (germline): Pathogenic. Review status: criteria provided, multiple submitters, no conflicts (2 of 4 stars). 8 submissions from 8 submitters: Pathogenic (7). 1 of the submissions does not count toward it. Last evaluated 2024-11-12.

Conditions:
Wilson disease (WND). Also called: Wilson's disease. Identifiers: Orphanet 905, MedGen C0019202, MONDO:0010200, OMIM 277900. Disease mechanism: loss of function.

Submissions (8):

Natera, Inc.
Classification: Pathogenic for Wilson disease. Last evaluated: 2024-11-12. Review status: criteria provided, single submitter. Criteria: Natera Variant Classification Schema (03/2026). Collection method: clinical testing. Allele origin: germline.
Comment: The c.4088C>T variant in ATP7B is a missense variant predicted to cause substitution of serine to phenylalanine at amino acid 1363. This variant is rare in the general population with a frequency below the threshold expected for the associated phenotype(s). This variant has been observed in one or more individuals affected with the associated recessive disease, as either homozygous or compound heterozygous with a second variant (PMID: 21610751). Given the available evidence, this variant is classified as Pathogenic.

Mayo Clinic Laboratories, Mayo Clinic
Classification: Pathogenic. Last evaluated: 2024-02-19. Review status: criteria provided, single submitter. Criteria: ACMG Guidelines, 2015. Collection method: clinical testing. Allele origin: germline.
Comment: PP3, PP4, PM2_moderate, PM3_strong, PS4_moderate

Revvity Omics, Revvity
Classification: Pathogenic for Wilson disease. Last evaluated: 2023-06-12. Review status: criteria provided, single submitter. Criteria: ACMG Guidelines, 2015. Collection method: clinical testing. Allele origin: germline.

Baylor Genetics
Classification: Pathogenic for Wilson disease. Last evaluated: 2023-05-04. Review status: criteria provided, single submitter. Criteria: ACMG Guidelines, 2015. Collection method: clinical testing. Allele origin: unknown.

Labcorp Genetics (formerly Invitae), Labcorp
Classification: Pathogenic for Wilson disease. Last evaluated: 2022-11-19. Review status: criteria provided, single submitter. Criteria: Invitae Variant Classification Sherloc (09022015). Collection method: clinical testing. Allele origin: germline.
Comment: This variant is not present in population databases (gnomAD no frequency). This sequence change replaces serine, which is neutral and polar, with phenylalanine, which is neutral and non-polar, at codon 1363 of the ATP7B protein (p.Ser1363Phe). This missense change has been observed in individual(s) with Wilson disease (PMID: 10544227, 21610751, 24094725). In at least one individual the data is consistent with being in trans (on the opposite chromosome) from a pathogenic variant. For these reasons, this variant has been classified as Pathogenic. Experimental studies have shown that this missense change affects ATP7B function (PMID: 19937698). Advanced modeling of protein sequence and biophysical properties (such as structural, functional, and spatial information, amino acid conservation, physicochemical variation, residue mobility, and thermodynamic stability) performed at Invitae indicates that this missense variant is expected to disrupt ATP7B protein function. ClinVar contains an entry for this variant (Variation ID: 188908).

Genome-Nilou Lab
Classification: Pathogenic for Wilson disease. Last evaluated: 2021-08-10. Review status: criteria provided, single submitter. Criteria: ACMG Guidelines, 2015. Collection method: clinical testing. Allele origin: germline. Affected: no.

Women's Health and Genetics/Laboratory Corporation of America, LabCorp
Classification: Pathogenic for Wilson disease. Last evaluated: 2021-04-14. Review status: criteria provided, single submitter. Criteria: LabCorp Variant Classification Summary - May 2015. Collection method: clinical testing. Allele origin: germline.
Comment: Variant summary: ATP7B c.4088C>T (p.Ser1363Phe) results in a non-conservative amino acid change in the encoded protein sequence. Five of five in-silico tools predict a damaging effect of the variant on protein function. The variant was absent in 246976 control chromosomes (gnomAD). c.4088C>T (p.Ser1363Phe) has been reported in the literature in multiple homozygous and compound heterozygous individuals affected with Wilson Disease (e.g. Loudianos_1999, Moller_2011, Mukherjee_2014). These data indicate that the variant is very likely to be associated with disease. Experimental evidence demonstrated the variant affects protein function (e.g. van den Berghe_2009). A ClinVar submitter (evaluation after 2014) cites the variant as pathogenic. Based on the evidence outlined above, the variant was classified as pathogenic.

Counsyl
Classification: Likely pathogenic for Wilson's disease. Last evaluated: 2014-08-01. Review status: no assertion criteria provided. Collection method: literature only. Allele origin: unknown. Inheritance: Autosomal recessive inheritance. Not counted in ClinVar's aggregate classification.

Literature cited by the submitters: PubMed 21610751 (cited by 5 submitters); PubMed 10544227 (cited by 4 submitters); PubMed 19937698 (cited by 4 submitters); PubMed 22692182 (cited by Mayo Clinic Laboratories, Mayo Clinic and Counsyl); PubMed 24094725 (cited by 4 submitters); PubMed 24253677 (cited by Mayo Clinic Laboratories, Mayo Clinic); PubMed 34404389 (cited by Mayo Clinic Laboratories, Mayo Clinic); PubMed 37046505 (cited by Mayo Clinic Laboratories, Mayo Clinic).